The following is an entry in ClinVar:

ClinVar aggregate classification (germline): Conflicting classifications of pathogenicity. Review status: criteria provided, conflicting classifications (1 of 4 stars). 3 submissions from 3 submitters: Uncertain significance (2); Likely benign (1). Last evaluated 2025-08-20.

Conditions:
Inborn genetic diseases. Identifiers: MedGen C0950123, MeSH D030342.
Kleefstra syndrome 1 (KLEFS1). Identifiers: Orphanet 261494, MedGen C0795833, MONDO:0027407, OMIM 610253.

gnomAD v4.1: 37 of 1,613,924 alleles (0.0023%); highest among the groups gnomAD compares: Non-Finnish European, 0.0029%; no homozygotes.

Submissions (3):

Labcorp Genetics (formerly Invitae), Labcorp
Classification: Uncertain significance for Kleefstra syndrome 1. Last evaluated: 2025-08-20. Review status: criteria provided, single submitter. Criteria: Invitae Variant Classification Sherloc (09022015). Collection method: clinical testing. Allele origin: germline.
Comment: This sequence change replaces proline, which is neutral and non-polar, with histidine, which is basic and polar, at codon 252 of the EHMT1 protein (p.Pro252His). This variant is present in population databases (rs775614771, gnomAD 0.002%). This variant has not been reported in the literature in individuals affected with EHMT1-related conditions. ClinVar contains an entry for this variant (Variation ID: 1759507). Invitae Evidence Modeling of protein sequence and biophysical properties (such as structural, functional, and spatial information, amino acid conservation, physicochemical variation, residue mobility, and thermodynamic stability) indicates that this missense variant is not expected to disrupt EHMT1 protein function with a negative predictive value of 80%. In summary, the available evidence is currently insufficient to determine the role of this variant in disease. Therefore, it has been classified as a Variant of Uncertain Significance.

Revvity Omics, Revvity
Classification: Uncertain significance for Kleefstra syndrome 1. Last evaluated: 2021-06-29. Review status: criteria provided, single submitter. Criteria: ACMG Guidelines, 2015. Collection method: clinical testing. Allele origin: germline.

Ambry Genetics
Classification: Likely benign for Inborn genetic diseases. Last evaluated: 2020-01-08. Review status: criteria provided, single submitter. Criteria: Ambry Variant Classification Scheme 2023. Collection method: clinical testing. Allele origin: germline.

NM_024757.5(EHMT1):c.755C>A (p.Pro252His)

Gene: EHMT1 (euchromatic histone lysine methyltransferase 1; plus strand). Cytogenetic location: 9q34.3.
Variant type: single nucleotide variant.
Coding change: c.755C>A on transcript NM_024757.5 (MANE Select); coding-DNA position 755, C replaced by A.
Protein change: p.Pro252His; replaces proline 252 with histidine.
Molecular consequence: missense variant.
Genome position (GRCh38, 1-based): chr9:137,728,461, C>A. VCF-style: chr9-137728461-C-A. GRCh37 (hg19) VCF-style: chr9-140622913-C-A.
Other names: c.755C>A, p.Pro252His (NM_001145527.2, NM_001354263.2, NM_001354611.2); c.662C>A, p.Pro221His (NM_001354259.2, NM_001354612.2); short protein forms P252H, P221H.
Identifiers: ClinVar variation 1759507 (VCV001759507.8), dbSNP rs775614771, ClinGen allele CA5374401.
Genomic context (GRCh38, chr9:137,728,461, plus strand): 5'-AACCAAAAGAGGAGATCAACAAAAACATTTCTGACTTTGGACGACAGCAGCTTTTACCCC[C>A]CTTCCCATCCCTTCATCAGTCGCTACCTCAGAACCAGTGCTACATGGCCACCACAAAATC-3'
Protein context (NP_079033.4, residues 242-262): SDFGRQQLLP[Pro252His]FPSLHQSLPQ